The following is an entry in ClinVar:

NM_007294.4(BRCA1):c.1472A>G (p.Gln491Arg)

Gene: BRCA1 (BRCA1 DNA repair associated; minus strand). Cytogenetic location: 17q21.31.
Variant type: single nucleotide variant.
Coding change: c.1472A>G on transcript NM_007294.4 (MANE Select); coding-DNA position 1472, A replaced by G.
Protein change: p.Gln491Arg; replaces glutamine 491 with arginine.
Molecular consequence: missense variant. On other transcripts: intron variant (137).
Genome position (GRCh38, 1-based): chr17:43,094,059, T>C on the plus strand (A>G on the coding strand, the complement: BRCA1 is on the minus strand). VCF-style: chr17-43094059-T-C. GRCh37 (hg19) VCF-style: chr17-41246076-T-C.
Other names: c.1262A>G, p.Gln421Arg (NM_001407884.1, NM_001407885.1, NM_001407886.1 and 13 more transcripts); c.1259A>G, p.Gln420Arg (NM_001407894.1, NM_001407895.1, NM_001407896.1 and 9 more transcripts); c.1349A>G, p.Gln450Arg (NM_001407919.1, NM_001407937.1, NM_001407938.1 and 19 more transcripts); c.1208A>G, p.Gln403Arg (NM_001407920.1, NM_001407921.1, NM_001407922.1 and 9 more transcripts); c.1205A>G, p.Gln402Arg (NM_001407930.1, NM_001407931.1, NM_001407932.1 and 2 more transcripts); c.1346A>G, p.Gln449Arg (NM_001407940.1, NM_001407941.1, NM_001407649.1 and 11 more transcripts); c.1331A>G, p.Gln444Arg (NM_001407942.1, NM_001407944.1, NM_001407945.1 and 29 more transcripts); c.1328A>G, p.Gln443Arg (NM_001407943.1, NM_001407964.1, NM_001407740.1 and 20 more transcripts); and 40 more; short protein forms Q491R, Q444R, Q323R, Q420R, Q443R, Q450R, Q363R, Q380R.
Identifiers: ClinVar variation 54265 (VCV000054265.10), dbSNP rs80357376, ClinGen allele CA000989.

ClinVar aggregate classification (germline): Conflicting classifications of pathogenicity. Review status: criteria provided, conflicting classifications (1 of 4 stars). 3 submissions from 3 submitters: Uncertain significance (1); Likely benign (1). 1 of the submissions does not count toward it. Last evaluated 2023-03-23.

Conditions:
Hereditary cancer-predisposing syndrome. Also called: Tumor predisposition; Neoplastic Syndromes, Hereditary; Hereditary Cancer Syndrome; Hereditary neoplastic syndrome. Identifiers: Orphanet 140162, MedGen C0027672, MeSH D009386, MONDO:0015356.
Hereditary breast ovarian cancer syndrome. Also called: Hereditary breast and ovarian cancer syndrome (HBOC); Hereditary breast and ovarian cancer syndrome; Hereditary breast and ovarian cancer; Hereditary breast and/or ovarian cancer syndrome; Breast and ovarian cancer; BRCA1- and BRCA2-Associated Hereditary Breast and Ovarian Cancer. Identifiers: Orphanet 145, MedGen C0677776, MeSH D061325, MONDO:0003582. Disease mechanism: loss of function.
Breast-ovarian cancer, familial, susceptibility to, 1 (BROVCA1). Also called: OVARIAN CANCER, SUSCEPTIBILITY TO; BRCA1 Hereditary Breast and Ovarian Cancer. Identifiers: Orphanet 145, MedGen C2676676, MONDO:0011450, OMIM 604370. Disease mechanism: loss of function.

Submissions (3):

University of Washington Department of Laboratory Medicine, University of Washington
Classification: Likely benign for Hereditary cancer-predisposing syndrome. Last evaluated: 2023-03-23. Review status: criteria provided, single submitter. Criteria: Dines et al. (Genet Med. 2020). Collection method: curation. Allele origin: germline.
Comment: Missense variant in a coldspot region where missense variants are very unlikely to be pathogenic (PMID:31911673).

BRCA1 coldspot (exon 11 using historical exon numbering). Reclassification based on statistical prior probability

Labcorp Genetics (formerly Invitae), Labcorp
Classification: Uncertain significance for Hereditary breast ovarian cancer syndrome. Last evaluated: 2022-06-29. Review status: criteria provided, single submitter. Criteria: Invitae Variant Classification Sherloc (09022015). Collection method: clinical testing. Allele origin: germline.
Comment: In summary, the available evidence is currently insufficient to determine the role of this variant in disease. Therefore, it has been classified as a Variant of Uncertain Significance. Advanced modeling of protein sequence and biophysical properties (such as structural, functional, and spatial information, amino acid conservation, physicochemical variation, residue mobility, and thermodynamic stability) performed at Invitae indicates that this missense variant is not expected to disrupt BRCA1 protein function. This sequence change replaces glutamine, which is neutral and polar, with arginine, which is basic and polar, at codon 491 of the BRCA1 protein (p.Gln491Arg). This variant is not present in population databases (gnomAD no frequency). This variant has not been reported in the literature in individuals affected with BRCA1-related conditions. ClinVar contains an entry for this variant (Variation ID: 54265).

Breast Cancer Information Core (BIC) (BRCA1)
Classification: Uncertain significance for Breast-ovarian cancer, familial 1. Last evaluated: 2004-02-20. Review status: no assertion criteria provided. Collection method: clinical testing. Allele origin: germline. Affected: yes. Observed: 1 variant allele. Not counted in ClinVar's aggregate classification.